The following is an entry in ClinVar:

NM_000038.6(APC):c.8173T>C (p.Phe2725Leu)

Gene: APC (APC regulator of Wnt signaling pathway; plus strand). Cytogenetic location: 5q22.2.
Variant type: single nucleotide variant.
Coding change: c.8173T>C on transcript NM_000038.6 (MANE Select); coding-DNA position 8173, T replaced by C.
Protein change: p.Phe2725Leu; replaces phenylalanine 2725 with leucine.
Molecular consequence: missense variant.
Genome position (GRCh38, 1-based): chr5:112,843,767, T>C. VCF-style: chr5-112843767-T-C. GRCh37 (hg19) VCF-style: chr5-112179464-T-C.
Other names: c.8173T>C, p.Phe2725Leu (NM_001127510.3, NM_001354895.2); c.8119T>C, p.Phe2707Leu (NM_001127511.3); c.8227T>C, p.Phe2743Leu (NM_001354896.2); c.8203T>C, p.Phe2735Leu (NM_001354897.2); c.8098T>C, p.Phe2700Leu (NM_001354898.2); c.8089T>C, p.Phe2697Leu (NM_001354899.2); c.8050T>C, p.Phe2684Leu (NM_001354900.2); c.7996T>C, p.Phe2666Leu (NM_001354901.2); and 5 more; short protein forms F2442L, F2684L, F2700L, F2725L, F2743L, F2666L, F2735L, F2697L.
Identifiers: ClinVar variation 954998 (VCV000954998.11), dbSNP rs1766671455, ClinGen allele CA16039071.
Genomic context (GRCh38, chr5:112,843,767, plus strand): 5'-AATGTGGGTAATGGCAGTGTTCCCATGCGTACCGTGGGTTTGGAAAATCGCCTGAACTCC[T>C]TTATTCAGGTGGATGCCCCTGACCAAAAAGGAACTGAGATAAAACCAGGACAAAATAATC-3'
Protein context (NP_000029.2, residues 2715-2735): TVGLENRLNS[Phe2725Leu]IQVDAPDQKG

ClinVar aggregate classification (germline): Uncertain significance (1 of 4 stars; one submission).

Conditions:
Familial adenomatous polyposis 1 (FAP1). Also called: FAMILIAL ADENOMATOUS POLYPOSIS 1, ATTENUATED; POLYPOSIS, ADENOMATOUS INTESTINAL. Identifiers: MedGen C2713442, MONDO:0021056, OMIM 175100. Disease mechanism: loss of function.

Submission:

Labcorp Genetics (formerly Invitae), Labcorp
Classification: Uncertain significance for Familial adenomatous polyposis 1. Last evaluated: 2019-11-14. Review status: criteria provided, single submitter. Criteria: Invitae Variant Classification Sherloc (09022015). Collection method: clinical testing. Allele origin: germline.
Comment: This variant is not present in population databases (ExAC no frequency). This variant has not been reported in the literature in individuals with APC-related conditions. Algorithms developed to predict the effect of missense changes on protein structure and function (SIFT, PolyPhen-2, Align-GVGD) all suggest that this variant is likely to be tolerated, but these predictions have not been confirmed by published functional studies and their clinical significance is uncertain. In summary, the available evidence is currently insufficient to determine the role of this variant in disease. Therefore, it has been classified as a Variant of Uncertain Significance. This sequence change replaces phenylalanine with leucine at codon 2725 of the APC protein (p.Phe2725Leu). The phenylalanine residue is highly conserved and there is a small physicochemical difference between phenylalanine and leucine.